The following is an entry in ClinVar:

NM_005720.4(ARPC1B):c.957G>C (p.Ala319=)

Gene: ARPC1B (actin related protein 2/3 complex subunit 1B; plus strand). Cytogenetic location: 7q22.1.
Variant type: single nucleotide variant.
Coding change: c.957G>C on transcript NM_005720.4 (MANE Select); coding-DNA position 957, G replaced by C.
Protein change: p.Ala319=; no amino-acid change (alanine 319 retained).
Molecular consequence: synonymous variant.
Genome position (GRCh38, 1-based): chr7:99,392,844, G>C. VCF-style: chr7-99392844-G-C. GRCh37 (hg19) VCF-style: chr7-98990467-G-C.
Other names: p.Ala319=.
Identifiers: ClinVar variation 3609952 (VCV003609952.3).

ClinVar aggregate classification (germline): Likely benign. Review status: criteria provided, multiple submitters, no conflicts (2 of 4 stars). 2 submissions from 2 submitters: Likely benign (2). Last evaluated 2025-05-13.

gnomAD v4.1: 8 of 1,548,806 alleles (0.00052%); highest among the groups gnomAD compares: African/African-American, 0.0027%; no homozygotes.

Submissions (2):

Labcorp Genetics (formerly Invitae), Labcorp
Classification: Likely benign. Last evaluated: 2025-05-13. Review status: criteria provided, single submitter. Criteria: Invitae Variant Classification Sherloc (09022015). Collection method: clinical testing. Allele origin: germline.

Mayo Clinic Laboratories, Mayo Clinic
Classification: Likely benign. Last evaluated: 2025-04-10. Review status: criteria provided, single submitter. Criteria: ACMG Guidelines, 2015. Collection method: clinical testing. Allele origin: germline. Observed: 1 variant allele.
Comment: BP4, BP7, PM2_supporting